The following is an entry in ClinVar:

NM_003060.4(SLC22A5):c.498-2A>G

Gene: SLC22A5 (solute carrier family 22 member 5; plus strand). Cytogenetic location: 5q31.1.
Variant type: single nucleotide variant.
Coding change: c.498-2A>G on transcript NM_003060.4 (MANE Select); the canonical splice acceptor site of the intron before coding-DNA position 498, A replaced by G.
Molecular consequence: splice acceptor variant.
Genome position (GRCh38, 1-based): chr5:132,384,145, A>G. VCF-style: chr5-132384145-A-G. GRCh37 (hg19) VCF-style: chr5-131719837-A-G.
Other names: c.570-2A>G (NM_001308122.2).
Identifiers: ClinVar variation 5006836 (VCV005006836.2).
Genomic context (GRCh38, chr5:132,384,145, plus strand): 5'-GTGGAGCCCATTCCTGCTGCCCTTTTCCAGCTGGTTATCTGTCACTCTCCTTTTCTTCCC[A>G]GGTTTGGCCGGAAGAATGTGCTGTTCGTGACCATGGGCATGCAGACAGGCTTCAGCTTCC-3'

ClinVar aggregate classification (germline): Pathogenic (1 of 4 stars; one submission).

Conditions:
Renal carnitine transport defect (CDSP). Also called: CARNITINE DEFICIENCY, SYSTEMIC, DUE TO DEFECT IN RENAL REABSORPTION OF CARNITINE; CARNITINE TRANSPORTER, PLASMA-MEMBRANE, DEFICIENCY OF; CARNITINE UPTAKE DEFECT; Systemic primary carnitine deficiency; Carnitine transporter deficiency; Carnitine Deficiency, Systemic. Identifiers: Orphanet 158, MedGen C0342788, MONDO:0008919, OMIM 212140.

gnomAD v4.1: 1 of 1,614,120 alleles (0.000062%); highest among the groups gnomAD compares: Non-Finnish European, 0.000085%; no homozygotes.

Submission:

Juno Genomics, Hangzhou Juno Genomics, Inc
Classification: Pathogenic for Renal carnitine transport defect. Review status: criteria provided, single submitter. Criteria: ACMG Guidelines, 2015. Collection method: clinical testing. Allele origin: germline.
Comment: Null variant in a gene where loss of function (LOF) is a known mechanism of disease.;Absent from controls (or at extremely low frequency if recessive) in Genome Aggregation Database.;Patient's phenotype or family history is highly specific for a disease with a single genetic etiology.